The following is an entry in ClinVar:

ClinVar aggregate classification (germline): Uncertain significance (1 of 4 stars; one submission).

Allele frequency attached by ClinVar (database versions not stated): gnomAD exomes below 0.00001.
gnomAD v4.1: 3 of 1,614,258 alleles (0.00019%); highest among the groups gnomAD compares: Non-Finnish European, 0.00025%; no homozygotes.

Submission:

Labcorp Genetics (formerly Invitae), Labcorp
Classification: Uncertain significance. Last evaluated: 2022-07-12. Review status: criteria provided, single submitter. Criteria: Invitae Variant Classification Sherloc (09022015). Collection method: clinical testing. Allele origin: germline.
Comment: This sequence change replaces aspartic acid, which is acidic and polar, with glycine, which is neutral and non-polar, at codon 1086 of the CTR9 protein (p.Asp1086Gly). In summary, the available evidence is currently insufficient to determine the role of this variant in disease. Therefore, it has been classified as a Variant of Uncertain Significance. Algorithms developed to predict the effect of missense changes on protein structure and function are either unavailable or do not agree on the potential impact of this missense change (SIFT: "Tolerated"; PolyPhen-2: "Possibly Damaging"; Align-GVGD: "Class C0"). ClinVar contains an entry for this variant (Variation ID: 956103). This variant has not been reported in the literature in individuals affected with CTR9-related conditions. This variant is not present in population databases (gnomAD no frequency).

NM_014633.5(CTR9):c.3257A>G (p.Asp1086Gly)

Gene: CTR9 (CTR9 component of Paf1/RNA polymerase II complex; plus strand). Cytogenetic location: 11p15.4.
Variant type: single nucleotide variant.
Coding change: c.3257A>G on transcript NM_014633.5 (MANE Select); coding-DNA position 3257, A replaced by G.
Protein change: p.Asp1086Gly; replaces aspartic acid 1086 with glycine.
Molecular consequence: missense variant.
Genome position (GRCh38, 1-based): chr11:10,778,840, A>G. VCF-style: chr11-10778840-A-G. GRCh37 (hg19) VCF-style: chr11-10800387-A-G.
Other names: c.3185A>G, p.Asp1062Gly (NM_001346279.2); short protein forms D1062G, D1086G.
Identifiers: ClinVar variation 956103 (VCV000956103.9), dbSNP rs1863284057, ClinGen allele CA379679386.
Genomic context (GRCh38, chr11:10,778,840, plus strand): 5'-CTGGCAGCGAGGCCGGCAGTCCCCGGAGGCCACGAAGACAGCGGTCAGATCAGGACTCAG[A>G]CAGTGACCAGCCATCCAGAAAGAGAAGGCCCTCCGGTTCTGAGCAGTCTGACAATGAATC-3'
Protein context (NP_055448.1, residues 1076-1096): PRRQRSDQDS[Asp1086Gly]SDQPSRKRRP